The following is an entry in ClinVar:

ClinVar aggregate classification (germline): Uncertain significance (1 of 4 stars; one submission).

Conditions:
Familial thoracic aortic aneurysm and aortic dissection (TAAD). Also called: Thoracic aortic aneurysms and dissections. Identifiers: Orphanet 91387, MedGen C4707243, MONDO:0019625.

Allele frequency attached by ClinVar (database versions not stated): TOPMed 0.00001.

Submission:

All of Us Research Program, National Institutes of Health
Classification: Uncertain significance for Familial thoracic aortic aneurysm and aortic dissection. Last evaluated: 2023-05-31. Review status: criteria provided, single submitter. Criteria: ACMG Guidelines, 2015. Collection method: clinical testing. Allele origin: germline. Inheritance: Autosomal dominant inheritance. Observed: 1 variant allele, 1 heterozygote.
Comment: This study involves interpretation of variants in research participants for the purpose of population health screening. Participant phenotype was not available at the time of variant classification. Additional details can be found in publication PMID: 35346344, PMCID: PMC8962531

NM_002474.3(MYH11):c.3907G>A (p.Ala1303Thr)

Genes: MYH11 (myosin heavy chain 11; minus strand), NDE1 (nudE neurodevelopment protein 1; plus strand). Cytogenetic location: 16p13.11.
Variant type: single nucleotide variant.
Coding change: c.3907G>A on transcript NM_002474.3 (MANE Select); coding-DNA position 3907, G replaced by A.
Protein change: p.Ala1303Thr; replaces alanine 1303 with threonine.
Molecular consequence: missense variant. On other transcripts: 3 prime UTR variant (2).
Genome position (GRCh38, 1-based): chr16:15,724,944, C>T on the plus strand (G>A on the coding strand, the complement: MYH11 is on the minus strand). VCF-style: chr16-15724944-C-T. GRCh37 (hg19) VCF-style: chr16-15818801-C-T.
Other names: c.3928G>A, p.Ala1310Thr (NM_001040113.2, NM_001040114.2); c.3907G>A, p.Ala1303Thr (NM_022844.3); c.*693C>T (NM_001143979.2, NM_017668.3); short protein forms A1303T, A1310T.
Identifiers: ClinVar variation 3071163 (VCV003071163.1), dbSNP rs1431386992, ClinGen allele CA394859074.
Genomic context (GRCh38, chr16:15,724,944, plus strand): 5'-TCACCTGGGTGTCCTGGAGCTGGGAACTGAGGGACGCCACGTCCTTGGCCAGCTTAATGG[C>T]CTTCCCCTCGGCCTCGTTAAGCATCCCTGTGACGCTCTCAACTTCATTCTAAGGGTGCCA-3'
Protein context (NP_002465.1, residues 1293-1313): TGMLNEAEGK[Ala1303Thr]IKLAKDVASL